The following is an entry in ClinVar:

NM_000077.5(CDKN2A):c.238C>G (p.Arg80Gly)

Gene: CDKN2A (cyclin dependent kinase inhibitor 2A; minus strand). Cytogenetic location: 9p21.3.
Variant type: single nucleotide variant.
Coding change: c.238C>G on transcript NM_000077.5; coding-DNA position 238, C replaced by G.
Protein change: p.Arg80Gly; replaces arginine 80 with glycine.
Molecular consequence: missense variant (on NM_000077.6). On other transcripts: 3 prime UTR variant (1).
Genome position (GRCh38, 1-based): chr9:21,971,121, G>C on the plus strand (C>G on the coding strand, the complement: CDKN2A is on the minus strand). VCF-style: chr9-21971121-G-C. GRCh37 (hg19) VCF-style: chr9-21971120-G-C.
Other names: c.238C>G, p.Arg80Gly (NM_000077.6, NM_001195132.2); c.85C>G, p.Arg29Gly (NM_001363763.2); c.281C>G, p.Pro94Arg (NM_058195.4); c.*161C>G (NM_058197.5); short protein forms P94R, R80G, R29G.
Identifiers: ClinVar variation 483353 (VCV000483353.5), dbSNP rs121913388, ClinGen allele CA5012198.

ClinVar aggregate classification (germline): Uncertain significance (1 of 4 stars; one submission).

Conditions:
Hereditary cancer-predisposing syndrome. Also called: Tumor predisposition; Hereditary Cancer Syndrome; Neoplastic Syndromes, Hereditary; Hereditary neoplastic syndrome. Identifiers: Orphanet 140162, MedGen C0027672, MeSH D009386, MONDO:0015356.

Allele frequency attached by ClinVar (database versions not stated): gnomAD exomes below 0.00001; ExAC 0.00001.

Submission:

Ambry Genetics
Classification: Uncertain significance for Hereditary cancer-predisposing syndrome. Last evaluated: 2017-07-24. Review status: criteria provided, single submitter. Criteria: Ambry Variant Classification Scheme 2023. Collection method: clinical testing. Allele origin: germline.
Comment: The p.R80G variant (also known as c.238C>G), located in coding exon 2 of the CDKN2A gene, results from a C to G substitution at nucleotide position 238. The arginine at codon 80 is replaced by glycine, an amino acid with dissimilar properties. This amino acid position is not well conserved in available vertebrate species. In addition, the in silico prediction for this alteration is inconclusive. Since supporting evidence is limited at this time, the clinical significance of this alteration remains unclear.